The following is an entry in ClinVar:

NM_002439.5(MSH3):c.823C>T (p.His275Tyr)

Gene: MSH3 (mutS homolog 3; plus strand). Cytogenetic location: 5q14.1.
Variant type: single nucleotide variant.
Coding change: c.823C>T on transcript NM_002439.5 (MANE Select); coding-DNA position 823, C replaced by T.
Protein change: p.His275Tyr; replaces histidine 275 with tyrosine.
Molecular consequence: missense variant.
Genome position (GRCh38, 1-based): chr5:80,672,274, C>T. VCF-style: chr5-80672274-C-T. GRCh37 (hg19) VCF-style: chr5-79968093-C-T.
Other names: short protein forms H275Y.
Identifiers: ClinVar variation 1762580 (VCV001762580.7), dbSNP rs922169592, ClinGen allele CA121293980.

ClinVar aggregate classification (germline): Uncertain significance. Review status: criteria provided, multiple submitters, no conflicts (2 of 4 stars). 2 submissions from 2 submitters: Uncertain significance (2). Last evaluated 2022-02-28.

Conditions:
Hereditary cancer-predisposing syndrome. Also called: Neoplastic Syndromes, Hereditary; Tumor predisposition; Hereditary Cancer Syndrome; Hereditary neoplastic syndrome. Identifiers: Orphanet 140162, MedGen C0027672, MeSH D009386, MONDO:0015356.

Submissions (2):

Labcorp Genetics (formerly Invitae), Labcorp
Classification: Uncertain significance. Last evaluated: 2022-02-28. Review status: criteria provided, single submitter. Criteria: Invitae Variant Classification Sherloc (09022015). Collection method: clinical testing. Allele origin: germline.
Comment: This variant is not present in population databases (gnomAD no frequency). This sequence change replaces histidine, which is basic and polar, with tyrosine, which is neutral and polar, at codon 275 of the MSH3 protein (p.His275Tyr). This variant has not been reported in the literature in individuals affected with MSH3-related conditions. In summary, the available evidence is currently insufficient to determine the role of this variant in disease. Therefore, it has been classified as a Variant of Uncertain Significance. Algorithms developed to predict the effect of missense changes on protein structure and function are either unavailable or do not agree on the potential impact of this missense change (SIFT: "Deleterious"; PolyPhen-2: "Possibly Damaging"; Align-GVGD: "Class C15").

Ambry Genetics
Classification: Uncertain significance for Hereditary cancer-predisposing syndrome. Last evaluated: 2021-02-25. Review status: criteria provided, single submitter. Criteria: Ambry Variant Classification Scheme 2023. Collection method: clinical testing. Allele origin: germline.
Comment: The p.H275Y variant (also known as c.823C>T), located in coding exon 5 of the MSH3 gene, results from a C to T substitution at nucleotide position 823. The histidine at codon 275 is replaced by tyrosine, an amino acid with similar properties. This amino acid position is highly conserved in available vertebrate species. In addition, this alteration is predicted to be deleterious by in silico analysis. Since supporting evidence is limited at this time, the clinical significance of this alteration remains unclear.